The following is an entry in ClinVar:

NM_000548.5(TSC2):c.4792G>T (p.Asp1598Tyr)

Gene: TSC2 (TSC complex subunit 2; plus strand). Cytogenetic location: 16p13.3.
Variant type: single nucleotide variant.
Coding change: c.4792G>T on transcript NM_000548.5 (MANE Select); coding-DNA position 4792, G replaced by T.
Protein change: p.Asp1598Tyr; replaces aspartic acid 1598 with tyrosine.
Molecular consequence: missense variant.
Genome position (GRCh38, 1-based): chr16:2,086,322, G>T. VCF-style: chr16-2086322-G-T. GRCh37 (hg19) VCF-style: chr16-2136323-G-T.
Other names: c.4660G>T, p.Asp1554Tyr (NM_001370404.1); c.4663G>T, p.Asp1555Tyr (NM_001370405.1, NM_021055.3); c.4789G>T, p.Asp1597Tyr (NM_001406663.1); c.4720G>T, p.Asp1574Tyr (NM_001406664.1); c.4714G>T, p.Asp1572Tyr (NM_001406665.1); c.4684G>T, p.Asp1562Tyr (NM_001406667.1); c.4681G>T, p.Asp1561Tyr (NM_001406668.1); c.4612G>T, p.Asp1538Tyr (NM_001406670.1); and 26 more; short protein forms D1528Y, D1574Y, D1083Y, D1084Y, D1107Y, D1483Y, D1494Y, D1531Y.
Identifiers: ClinVar variation 1743116 (VCV001743116.5), dbSNP rs2151574648, ClinGen allele CA394307997.
Genomic context (GRCh38, chr16:2,086,322, plus strand): 5'-CTGGGCCGGCTCATCGAGCTGAAGGACTGCCAGCCGGACAAGGTGTACCTGGGAGGCCTG[G>T]ACGTGTGTGGTGAGGACGGCCAGTTCACCTACTGCTGGCACGATGACATCATGCAAGGTA-3'
Protein context (NP_000539.2, residues 1588-1608): QPDKVYLGGL[Asp1598Tyr]VCGEDGQFTY

ClinVar aggregate classification (germline): Uncertain significance. Review status: criteria provided, multiple submitters, no conflicts (2 of 4 stars). 2 submissions from 2 submitters: Uncertain significance (2). Last evaluated 2026-03-24.

Conditions:
Hereditary cancer-predisposing syndrome. Also called: Neoplastic Syndromes, Hereditary; Tumor predisposition; Hereditary Cancer Syndrome; Hereditary neoplastic syndrome. Identifiers: Orphanet 140162, MedGen C0027672, MeSH D009386, MONDO:0015356.
Tuberous sclerosis 2 (TSC2). Identifiers: Orphanet 805, MedGen C1860707, MONDO:0013199, OMIM 613254.

Submissions (2):

Ambry Genetics
Classification: Uncertain significance for Hereditary cancer-predisposing syndrome. Last evaluated: 2026-03-24. Review status: criteria provided, single submitter. Criteria: Ambry Variant Classification Scheme 2023. Collection method: clinical testing. Allele origin: germline.
Comment: The p.D1598Y variant (also known as c.4792G>T), located in coding exon 36 of the TSC2 gene, results from a G to T substitution at nucleotide position 4792. The aspartic acid at codon 1598 is replaced by tyrosine, an amino acid with highly dissimilar properties. This amino acid position is highly conserved in available vertebrate species. In addition, this alteration is predicted to be deleterious by in silico analysis. Based on the available evidence, the clinical significance of this variant remains unclear.

Labcorp Genetics (formerly Invitae), Labcorp
Classification: Uncertain significance for Tuberous sclerosis 2. Last evaluated: 2024-10-09. Review status: criteria provided, single submitter. Criteria: Invitae Variant Classification Sherloc (09022015). Collection method: clinical testing. Allele origin: germline.
Comment: This sequence change replaces aspartic acid, which is acidic and polar, with tyrosine, which is neutral and polar, at codon 1598 of the TSC2 protein (p.Asp1598Tyr). This variant is not present in population databases (gnomAD no frequency). This variant has not been reported in the literature in individuals affected with TSC2-related conditions. ClinVar contains an entry for this variant (Variation ID: 1743116). Invitae Evidence Modeling of protein sequence and biophysical properties (such as structural, functional, and spatial information, amino acid conservation, physicochemical variation, residue mobility, and thermodynamic stability) indicates that this missense variant is expected to disrupt TSC2 protein function with a positive predictive value of 95%. In summary, the available evidence is currently insufficient to determine the role of this variant in disease. Therefore, it has been classified as a Variant of Uncertain Significance.